The following is an entry in ClinVar:

ClinVar aggregate classification (germline): Uncertain significance (1 of 4 stars; one submission).

Conditions:
Neuronal ceroid lipofuscinosis 11. Also called: GRN-Related Neuronal Ceroid-Lipofuscinosis. Identifiers: Orphanet 314629, Orphanet 79262, MedGen C3539123, MONDO:0013866, OMIM 614706.
GRN-related frontotemporal lobar degeneration with Tdp43 inclusions (FTD2). Also called: DEMENTIA, HEREDITARY DYSPHASIC DISINHIBITION; FRONTOTEMPORAL LOBAR DEGENERATION WITH UBIQUITIN-POSITIVE INCLUSIONS; FTLD-TDP, GRN-RELATED; GRN Frontotemporal Dementia; FRONTOTEMPORAL DEMENTIA WITH TDP43 INCLUSIONS, GRN-RELATED. Identifiers: Orphanet 100070, Orphanet 282, MedGen C1843792, MONDO:0011842, OMIM 607485. Disease mechanism: loss of function.

Submission:

Labcorp Genetics (formerly Invitae), Labcorp
Classification: Uncertain significance for Neuronal ceroid lipofuscinosis 11; GRN-related frontotemporal lobar degeneration with Tdp43 inclusions. Last evaluated: 2022-08-24. Review status: criteria provided, single submitter. Criteria: Invitae Variant Classification Sherloc (09022015). Collection method: clinical testing. Allele origin: germline.
Comment: This sequence change replaces glycine, which is neutral and non-polar, with alanine, which is neutral and non-polar, at codon 17 of the GRN protein (p.Gly17Ala). This variant is not present in population databases (gnomAD no frequency). This variant has not been reported in the literature in individuals affected with GRN-related conditions. Algorithms developed to predict the effect of missense changes on protein structure and function are either unavailable or do not agree on the potential impact of this missense change (SIFT: "Tolerated"; PolyPhen-2: "Possibly Damaging"; Align-GVGD: "Class C0"). In summary, the available evidence is currently insufficient to determine the role of this variant in disease. Therefore, it has been classified as a Variant of Uncertain Significance.

NM_002087.4(GRN):c.50G>C (p.Gly17Ala)

Gene: GRN (granulin precursor; plus strand). Cytogenetic location: 17q21.31.
Variant type: single nucleotide variant.
Coding change: c.50G>C on transcript NM_002087.4 (MANE Select); coding-DNA position 50, G replaced by C.
Protein change: p.Gly17Ala; replaces glycine 17 with alanine.
Molecular consequence: missense variant.
Genome position (GRCh38, 1-based): chr17:44,349,214, G>C. VCF-style: chr17-44349214-G-C. GRCh37 (hg19) VCF-style: chr17-42426582-G-C.
Other names: short protein forms G17A.
Identifiers: ClinVar variation 2074271 (VCV002074271.1), dbSNP rs2048348029, ClinGen allele CA399759151.